The following is an entry in ClinVar:

ClinVar aggregate classification (germline): Likely benign. Review status: criteria provided, single submitter (1 of 4 stars). 2 submissions from 2 submitters: Likely benign (1). 1 of the submissions does not count toward it. Last evaluated 2025-10-12.

Conditions:
ATP2A1-related disorder. Also called: ATP2A1-related condition.
Brody myopathy. Also called: BRODY DISEASE. Identifiers: Orphanet 53347, MedGen C1832918, MONDO:0010977, OMIM 601003.

Allele frequency attached by ClinVar (database versions not stated): gnomAD 0.00001; ExAC 0.00002; TOPMed 0.00003.
gnomAD v4.1: 24 of 1,613,766 alleles (0.0015%); highest among the groups gnomAD compares: Admixed American, 0.0033%; no homozygotes.

Submissions (2):

Labcorp Genetics (formerly Invitae), Labcorp
Classification: Likely benign for Brody myopathy. Last evaluated: 2025-10-12. Review status: criteria provided, single submitter. Criteria: Invitae Variant Classification Sherloc (09022015). Collection method: clinical testing. Allele origin: germline.

PreventionGenetics, part of Exact Sciences
Classification: Likely benign for ATP2A1-related condition. Last evaluated: 2019-04-09. Review status: no assertion criteria provided. Collection method: clinical testing. Allele origin: germline. Not counted in ClinVar's aggregate classification.
Comment: This variant is classified as likely benign based on ACMG/AMP sequence variant interpretation guidelines (Richards et al. 2015 PMID: 25741868, with internal and published modifications).

NM_004320.6(ATP2A1):c.2520C>T (p.Ile840=)

Gene: ATP2A1 (ATPase sarcoplasmic/endoplasmic reticulum Ca2+ transporting 1; plus strand). Cytogenetic location: 16p11.2.
Variant type: single nucleotide variant.
Coding change: c.2520C>T on transcript NM_004320.6 (MANE Select); coding-DNA position 2520, C replaced by T.
Protein change: p.Ile840=; no amino-acid change (isoleucine 840 retained).
Molecular consequence: synonymous variant.
Genome position (GRCh38, 1-based): chr16:28,902,382, C>T. VCF-style: chr16-28902382-C-T. GRCh37 (hg19) VCF-style: chr16-28913703-C-T.
Other names: c.2145C>T, p.Ile715= (NM_001286075.2); c.2520C>T, p.Ile840= (NM_173201.5).
Identifiers: ClinVar variation 718044 (VCV000718044.13), dbSNP rs758221964, ClinGen allele CA7987277.